The following is an entry in ClinVar:

NM_001244008.2(KIF1A):c.4123-11G>C

Gene: KIF1A (kinesin family member 1A; minus strand). Cytogenetic location: 2q37.3.
Variant type: single nucleotide variant.
Coding change: c.4123-11G>C on transcript NM_001244008.2 (MANE Select); 11 bases into the intron before coding-DNA position 4123, G replaced by C.
Molecular consequence: intron variant.
Genome position (GRCh38, 1-based): chr2:240,725,415, C>G on the plus strand (G>C on the coding strand, the complement: KIF1A is on the minus strand). VCF-style: chr2-240725415-C-G. GRCh37 (hg19) VCF-style: chr2-241664832-C-G.
Other names: c.3820-11G>C (NM_001379653.1, NM_001379650.1, NM_001379641.1 and 2 more transcripts); c.4096-11G>C (NM_001379645.1, NM_001379633.1); c.3946-11G>C (NM_001379635.1, NM_001379646.1); c.3817-11G>C (NM_001379640.1); c.3844-11G>C (NM_001379639.1); c.3847-11G>C (NM_001379649.1, NM_001320705.2); c.3934-11G>C (NM_001379636.1); c.4099-11G>C (NM_001379632.1); and 7 more.
Identifiers: ClinVar variation 1569413 (VCV001569413.9), dbSNP rs369835159, ClinGen allele CA68140385.

ClinVar aggregate classification (germline): Likely benign. Review status: criteria provided, multiple submitters, no conflicts (2 of 4 stars). 2 submissions from 2 submitters: Likely benign (2). Last evaluated 2024-02-05.

Conditions:
Hereditary spastic paraplegia 30. Identifiers: Orphanet 101010, MedGen C5235139, MONDO:0012476.
Neuropathy, hereditary sensory, type 2C. Also called: Hereditary sensory and autonomic neuropathy type IIC; KIF1A-Related HSAN2 (HSAN2C). Identifiers: Orphanet 970, MedGen C3280168, MONDO:0013634, OMIM 614213.
Intellectual disability, autosomal dominant 9 (NESCAVS). Also called: NESCAV SYNDROME; KIF1A-Related Neurodevelopmental Disorder. Identifiers: Orphanet 662367, MedGen C5393830, MONDO:0013656, OMIM 614255.

gnomAD v4.1: 6 of 1,611,514 alleles (0.00037%); highest among the groups gnomAD compares: Non-Finnish European, 0.00051%; no homozygotes.

Submissions (2):

Labcorp Genetics (formerly Invitae), Labcorp
Classification: Likely benign for Hereditary spastic paraplegia 30; Neuropathy, hereditary sensory, type 2C; Intellectual disability, autosomal dominant 9. Last evaluated: 2024-02-05. Review status: criteria provided, single submitter. Criteria: Invitae Variant Classification Sherloc (09022015). Collection method: clinical testing. Allele origin: germline.

Women's Health and Genetics/Laboratory Corporation of America, LabCorp
Classification: Likely benign. Last evaluated: 2023-11-03. Review status: criteria provided, single submitter. Criteria: LabCorp Variant Classification Summary - May 2015. Collection method: clinical testing. Allele origin: germline.
Comment: Variant summary: KIF1A c.3820-11G>C alters a non-conserved nucleotide located at a position not widely known to affect splicing. Consensus agreement among computation tools predict no significant impact on normal splicing. However, these predictions have yet to be confirmed by functional studies. The variant was absent in 245322 control chromosomes. The available data on variant occurrences in the general population are insufficient to allow any conclusion about variant significance. To our knowledge, no occurrence of c.3820-11G>C in individuals affected with NESCAV Syndrome and no experimental evidence demonstrating its impact on protein function have been reported. One submitter has cited clinical-significance assessments for this variant to ClinVar after 2014 and has classified the variant as likely benign. Based on the evidence outlined above, the variant was classified as likely benign.